The following is an entry in ClinVar:

NM_020810.3(TRMT5):c.835G>C (p.Val279Leu)

Gene: TRMT5 (tRNA methyltransferase 5; minus strand). Cytogenetic location: 14q23.1.
Variant type: single nucleotide variant.
Coding change: c.835G>C on transcript NM_020810.3 (MANE Select); coding-DNA position 835, G replaced by C.
Protein change: p.Val279Leu; replaces valine 279 with leucine.
Molecular consequence: missense variant.
Genome position (GRCh38, 1-based): chr14:60,976,084, C>G on the plus strand (G>C on the coding strand, the complement: TRMT5 is on the minus strand). VCF-style: chr14-60976084-C-G. GRCh37 (hg19) VCF-style: chr14-61442802-C-G.
Other names: c.919G>C, p.Val307Leu (NM_001350253.1); c.916G>C, p.Val306Leu (NM_001350254.1); short protein forms V306L, V279L, V307L.
Identifiers: ClinVar variation 2106872 (VCV002106872.4), dbSNP rs1220443768, ClinGen allele CA389920003.
Genomic context (GRCh38, chr14:60,976,084, plus strand): 5'-CAGGTTTGAGAAGTTCTGTGATACGGCTGTGTTCTGTAGACAGACGAGGATTCCAATAGA[C>G]TTTTGAAAAATCAAATTCATAGGTGTAGTTGTTTTCTCGAACCTGAAAAAAGGTGTTATG-3'
Protein context (NP_065861.3, residues 269-289): NYTYEFDFSK[Val279Leu]YWNPRLSTEH

ClinVar aggregate classification (germline): Uncertain significance (1 of 4 stars; one submission).

Allele frequency attached by ClinVar (database versions not stated): TOPMed 0.00001.

Submission:

Labcorp Genetics (formerly Invitae), Labcorp
Classification: Uncertain significance. Last evaluated: 2022-03-07. Review status: criteria provided, single submitter. Criteria: Invitae Variant Classification Sherloc (09022015). Collection method: clinical testing. Allele origin: germline.
Comment: In summary, the available evidence is currently insufficient to determine the role of this variant in disease. Therefore, it has been classified as a Variant of Uncertain Significance. Algorithms developed to predict the effect of missense changes on protein structure and function (SIFT, PolyPhen-2, Align-GVGD) all suggest that this variant is likely to be disruptive. This variant has not been reported in the literature in individuals affected with TRMT5-related conditions. This variant is not present in population databases (gnomAD no frequency). This sequence change replaces valine, which is neutral and non-polar, with leucine, which is neutral and non-polar, at codon 279 of the TRMT5 protein (p.Val279Leu).